The following is an entry in ClinVar:

NM_001457.4(FLNB):c.476C>T (p.Thr159Ile)

Gene: FLNB (filamin B; plus strand). Cytogenetic location: 3p14.3.
Variant type: single nucleotide variant.
Coding change: c.476C>T on transcript NM_001457.4 (MANE Select); coding-DNA position 476, C replaced by T.
Protein change: p.Thr159Ile; replaces threonine 159 with isoleucine.
Molecular consequence: missense variant.
Genome position (GRCh38, 1-based): chr3:58,077,229, C>T. VCF-style: chr3-58077229-C-T. GRCh37 (hg19) VCF-style: chr3-58062956-C-T.
Other names: c.476C>T, p.Thr159Ile (NM_001164317.2, NM_001164318.2, NM_001164319.2); short protein forms T159I.
Identifiers: ClinVar variation 3610569 (VCV003610569.2).
Genomic context (GRCh38, chr3:58,077,229, plus strand): 5'-AGACGCCAAAGCAGAGGCTGCTGGGGTGGATTCAGAACAAGATCCCCTACTTGCCCATCA[C>T]CAACTTTAACCAGAACTGGCAAGACGGCAAAGCCCTGGGAGCCCTGGTAGACAGCTGTGC-3'
Protein context (NP_001448.2, residues 149-169): IQNKIPYLPI[Thr159Ile]NFNQNWQDGK

ClinVar aggregate classification (germline): Uncertain significance (1 of 4 stars; one submission).

gnomAD v4.1: 1 of 1,614,170 alleles (0.000062%); highest among the groups gnomAD compares: Admixed American, 0.0017%; no homozygotes.

Submission:

Labcorp Genetics (formerly Invitae), Labcorp
Classification: Uncertain significance. Last evaluated: 2026-01-25. Review status: criteria provided, single submitter. Criteria: Invitae Variant Classification Sherloc (09022015). Collection method: clinical testing. Allele origin: germline.
Comment: This sequence change replaces threonine, which is neutral and polar, with isoleucine, which is neutral and non-polar, at codon 159 of the FLNB protein (p.Thr159Ile). This variant is present in population databases (rs772013221, gnomAD 0.003%). This variant has not been reported in the literature in individuals affected with FLNB-related conditions. ClinVar contains an entry for this variant (Variation ID: 3610569). Invitae Evidence Modeling of protein sequence and biophysical properties (such as structural, functional, and spatial information, amino acid conservation, physicochemical variation, residue mobility, and thermodynamic stability) indicates that this missense variant is not expected to disrupt FLNB protein function with a negative predictive value of 95%. In summary, the available evidence is currently insufficient to determine the role of this variant in disease. Therefore, it has been classified as a Variant of Uncertain Significance.